The following is an entry in ClinVar:

NM_014844.5(TECPR2):c.3686G>A (p.Trp1229Ter)

Gene: TECPR2 (tectonin beta-propeller repeat containing 2; plus strand). Cytogenetic location: 14q32.31.
Variant type: single nucleotide variant.
Coding change: c.3686G>A on transcript NM_014844.5 (MANE Select); coding-DNA position 3686, G replaced by A.
Protein change: p.Trp1229Ter; replaces tryptophan 1229 with a stop codon.
Molecular consequence: nonsense.
Genome position (GRCh38, 1-based): chr14:102,465,186, G>A. VCF-style: chr14-102465186-G-A. GRCh37 (hg19) VCF-style: chr14-102931523-G-A.
Other names: c.3686G>A, p.Trp1229Ter (NM_001172631.3); short protein forms W1229*.
Identifiers: ClinVar variation 1356743 (VCV001356743.7), dbSNP rs2139771589, ClinGen allele CA391069214.

ClinVar aggregate classification (germline): Pathogenic. Review status: criteria provided, multiple submitters, no conflicts (2 of 4 stars). 2 submissions from 2 submitters: Pathogenic (2). Last evaluated 2025-08-04.

Conditions:
Hereditary spastic paraplegia 49 (HSAN9). Also called: Spastic paraplegia 49, autosomal recessive; NEUROPATHY, HEREDITARY SENSORY AND AUTONOMIC, TYPE IX, WITH DEVELOPMENTAL DELAY; TECPR2-Related Hereditary Sensory and Autonomic Neuropathy with Intellectual Disability. Identifiers: Orphanet 320385, MedGen C5190860, MONDO:0014016, OMIM 615031.

Submissions (2):

Myriad Genetics, Inc.
Classification: Pathogenic for Hereditary spastic paraplegia 49. Last evaluated: 2025-08-04. Review status: criteria provided, single submitter. Criteria: Myriad Autosomal Dominant, Autosomal Recessive and X-Linked Classification Criteria (2023). Collection method: clinical testing. Allele origin: unknown.
Comment: NM_014844.3(TECPR2):c.3686G>A(W1229*) is a nonsense variant classified as pathogenic in the context of spastic paraplegia, TECPR2-related. W1229* has not been observed in cases with relevant disease. Relevant functional assessments of this variant are not available in the literature. W1229* has not been observed in referenced population frequency databases. In summary, NM_014844.3(TECPR2):c.3686G>A(W1229*) is a nonsense variant in a gene where loss of function is a known mechanism of disease and is predicted to disrupt protein function. Please note: this variant was assessed in the context of healthy population screening.

Labcorp Genetics (formerly Invitae), Labcorp
Classification: Pathogenic for Hereditary spastic paraplegia 49. Last evaluated: 2022-07-04. Review status: criteria provided, single submitter. Criteria: Invitae Variant Classification Sherloc (09022015). Collection method: clinical testing. Allele origin: germline.
Comment: For these reasons, this variant has been classified as Pathogenic. ClinVar contains an entry for this variant (Variation ID: 1356743). This variant has not been reported in the literature in individuals affected with TECPR2-related conditions. This variant is not present in population databases (gnomAD no frequency). This sequence change creates a premature translational stop signal (p.Trp1229*) in the TECPR2 gene. It is expected to result in an absent or disrupted protein product. Loss-of-function variants in TECPR2 are known to be pathogenic (PMID: 23176824, 25590979).

Literature cited by the submitters: PubMed 23176824 (cited by Labcorp Genetics (formerly Invitae), Labcorp); PubMed 25590979 (cited by Labcorp Genetics (formerly Invitae), Labcorp).